The following is an entry in ClinVar:

ClinVar aggregate classification (germline): Uncertain significance (1 of 4 stars; one submission).

Conditions:
Accelerated tumor formation, susceptibility to (ACTFS). Identifiers: MedGen C3280690, OMIM 614401, MONDO:0013733.

Allele frequency attached by ClinVar (database versions not stated): gnomAD exomes below 0.00001; TOPMed below 0.00001; gnomAD 0.00001.
gnomAD v4.1: 5 of 1,609,594 alleles (0.00031%); highest among the groups gnomAD compares: East Asian, 0.0022%; no homozygotes.

Submission:

Labcorp Genetics (formerly Invitae), Labcorp
Classification: Uncertain significance for Accelerated tumor formation, susceptibility to. Last evaluated: 2023-04-04. Review status: criteria provided, single submitter. Criteria: Invitae Variant Classification Sherloc (09022015). Collection method: clinical testing. Allele origin: germline.
Comment: This sequence change replaces glutamine, which is neutral and polar, with arginine, which is basic and polar, at codon 272 of the MDM2 protein (p.Gln272Arg). This variant is not present in population databases (gnomAD no frequency). This variant has not been reported in the literature in individuals affected with MDM2-related conditions. An algorithm developed to predict the effect of missense changes on protein structure and function (PolyPhen-2) suggests that this variant is likely to be disruptive. In summary, the available evidence is currently insufficient to determine the role of this variant in disease. Therefore, it has been classified as a Variant of Uncertain Significance.

NM_002392.6(MDM2):c.815A>G (p.Gln272Arg)

Gene: MDM2 (MDM2 proto-oncogene; plus strand). Cytogenetic location: 12q15.
Variant type: single nucleotide variant.
Coding change: c.815A>G on transcript NM_002392.6 (MANE Select); coding-DNA position 815, A replaced by G.
Protein change: p.Gln272Arg; replaces glutamine 272 with arginine.
Molecular consequence: missense variant. On other transcripts: intron variant (1).
Genome position (GRCh38, 1-based): chr12:68,835,959, A>G. VCF-style: chr12-68835959-A-G. GRCh37 (hg19) VCF-style: chr12-69229739-A-G.
Other names: c.650A>G, p.Gln217Arg (NM_001145339.2); c.287A>G, p.Gln96Arg (NM_001145340.3, NM_001278462.2); c.797A>G, p.Gln266Arg (NM_001367990.1); c.681+116A>G (NM_001145337.3); short protein forms Q217R, Q96R, Q266R, Q272R.
Identifiers: ClinVar variation 2859179 (VCV002859179.3), dbSNP rs1883277329, ClinGen allele CA385703499.
Genomic context (GRCh38, chr12:68,835,959, plus strand): 5'-GTGTAGAATTTGAAGTTGAATCTCTCGACTCAGAAGATTATAGCCTTAGTGAAGAAGGAC[A>G]AGAACTCTCAGATGAAGATGATGAGGTAGTATTTTTTTTCCCCTCTAATTATATTGGAAA-3'
Protein context (NP_002383.2, residues 262-282): SEDYSLSEEG[Gln272Arg]ELSDEDDEVY